The following is an entry in ClinVar:

NM_001365902.3(NFIX):c.345dup (p.Arg116fs)

Gene: NFIX (nuclear factor I X; plus strand). Cytogenetic location: 19p13.13.
Variant type: Duplication.
Coding change: c.345dup on transcript NM_001365902.3 (MANE Select); coding-DNA position 345, one base duplicated (G; older notation c.345dupG).
Protein change: p.Arg116fs; shifts the reading frame from arginine 116.
Molecular consequence: frameshift variant.
Genome position (GRCh38, 1-based): chr19:13,025,338, G duplicated; the last of 2 consecutive G bases (chr19:13,025,337-13,025,338); duplicating either gives the same sequence. VCF-style (leftmost placement, unchanged base first): chr19-13025336-C-CG. GRCh37 (hg19) VCF-style: chr19-13136150-C-CG.
Other names: c.369dup, p.Arg124fs (NM_001271043.2); c.321dup, p.Arg108fs (NM_001271044.3, NM_001378404.1, NM_001440616.1 and 1 more transcripts); c.345dup, p.Arg116fs (NM_001365982.2, NM_002501.4); c.204dup, p.Arg69fs (NM_001365983.2); c.342dup, p.Arg115fs (NM_001365984.2, NM_001365985.2); c.393dup, p.Arg132fs (NM_001378405.1); short protein forms R124fs, R116fs, R132fs, R69fs, R108fs, R115fs.
Identifiers: ClinVar variation 4626097 (VCV004626097.1).

ClinVar aggregate classification (germline): Pathogenic (1 of 4 stars; one submission).

Conditions:
Inborn genetic diseases. Identifiers: MedGen C0950123, MeSH D030342.

Submission:

Ambry Genetics
Classification: Pathogenic for Inborn genetic diseases. Last evaluated: 2025-10-10. Review status: criteria provided, single submitter. Criteria: Ambry Variant Classification Scheme 2023. Collection method: clinical testing. Allele origin: germline.
Comment: The c.345dupG (p.R116Afs*3) alteration, located in exon 2 (coding exon 2) of the NFIX gene, consists of a duplication of G at position 345, causing a translational frameshift with a predicted alternate stop codon after 3 amino acids. This alteration is expected to result in loss of function by premature protein truncation or nonsense-mediated mRNA decay. for Malan overgrowth syndrome, however, its clinical significance for Marshall-Smith syndrome is uncertain. This variant was not reported in population-based cohorts in the Genome Aggregation Database (gnomAD). Based on the available evidence, this alteration is classified as pathogenic.